The following is an entry in ClinVar:

NM_001130987.2(DYSF):c.3496T>C (p.Tyr1166His)

Gene: DYSF (dysferlin; plus strand). Cytogenetic location: 2p13.2.
Variant type: single nucleotide variant.
Coding change: c.3496T>C on transcript NM_001130987.2 (MANE Select); coding-DNA position 3496, T replaced by C.
Protein change: p.Tyr1166His; replaces tyrosine 1166 with histidine.
Molecular consequence: missense variant.
Genome position (GRCh38, 1-based): chr2:71,589,686, T>C. VCF-style: chr2-71589686-T-C. GRCh37 (hg19) VCF-style: chr2-71816816-T-C.
Other names: c.3445T>C, p.Tyr1149His (NM_001130455.2, NM_001130983.2); c.3400T>C, p.Tyr1134His (NM_001130976.2, NM_001130977.2); c.3442T>C, p.Tyr1148His (NM_001130978.2, NM_003494.4); c.3535T>C, p.Tyr1179His (NM_001130979.2); c.3493T>C, p.Tyr1165His (NM_001130980.2, NM_001130981.2); c.3538T>C, p.Tyr1180His (NM_001130982.2); c.3403T>C, p.Tyr1135His (NM_001130984.2, NM_001130986.2); c.3496T>C, p.Tyr1166His (NM_001130985.2); short protein forms Y1134H, Y1166H, Y1179H, Y1135H, Y1149H, Y1180H, Y1148H, Y1165H.
Identifiers: ClinVar variation 1385224 (VCV001385224.8), dbSNP rs2152842558, ClinGen allele CA347220704.

ClinVar aggregate classification (germline): Uncertain significance (1 of 4 stars; one submission).

Conditions:
Neuromuscular disease caused by qualitative or quantitative defects of dysferlin. Also called: Qualitative or quantitative defects of dysferlin; Dysferlinopathy. Identifiers: Orphanet 207073, MedGen C2931687, MONDO:0016145.

Submission:

Labcorp Genetics (formerly Invitae), Labcorp
Classification: Uncertain significance for Neuromuscular disease caused by qualitative or quantitative defects of dysferlin. Last evaluated: 2021-01-13. Review status: criteria provided, single submitter. Criteria: Invitae Variant Classification Sherloc (09022015). Collection method: clinical testing. Allele origin: germline.
Comment: This variant is not present in population databases (ExAC no frequency). This sequence change replaces tyrosine with histidine at codon 1148 of the DYSF protein (p.Tyr1148His). The tyrosine residue is moderately conserved and there is a moderate physicochemical difference between tyrosine and histidine. In summary, the available evidence is currently insufficient to determine the role of this variant in disease. Therefore, it has been classified as a Variant of Uncertain Significance. Algorithms developed to predict the effect of missense changes on protein structure and function (SIFT, PolyPhen-2, Align-GVGD) all suggest that this variant is likely to be tolerated, but these predictions have not been confirmed by published functional studies and their clinical significance is uncertain. This variant has not been reported in the literature in individuals with DYSF-related conditions.